The following is an entry in ClinVar:

NM_002890.3(RASA1):c.1934+2T>C

Genes: CCNH (cyclin H; minus strand), RASA1 (RAS p21 protein activator 1; plus strand). Cytogenetic location: 5q14.3.
Variant type: single nucleotide variant.
Coding change: c.1934+2T>C on transcript NM_002890.3 (MANE Select); the canonical splice donor site of the intron after coding-DNA position 1934, T replaced by C.
Molecular consequence: splice donor variant. On other transcripts: intron variant (1).
Genome position (GRCh38, 1-based): chr5:87,374,322, T>C. VCF-style: chr5-87374322-T-C. GRCh37 (hg19) VCF-style: chr5-86670139-T-C.
Other names: c.1403+2T>C (NM_022650.3); c.933+20722A>G (NM_001364075.2).
Identifiers: ClinVar variation 3250851 (VCV003250851.17), dbSNP rs1761160392.

ClinVar aggregate classification (germline): Pathogenic (1 of 4 stars; one submission).

Submission:

CeGaT Center for Human Genetics Tuebingen
Classification: Pathogenic. Last evaluated: 2024-06-01. Review status: criteria provided, single submitter. Criteria: CeGaT Center For Human Genetics Tuebingen Variant Classification Criteria Version 2. Collection method: clinical testing. Allele origin: germline. Affected: yes. Observed: 1 variant allele.
Comment: RASA1: PVS1, PM2